The following is an entry in ClinVar:

ClinVar aggregate classification (germline): Uncertain significance. Review status: criteria provided, multiple submitters, no conflicts (2 of 4 stars). 2 submissions from 2 submitters: Uncertain significance (2). Last evaluated 2023-12-11.

Conditions:
DICER1-related tumor predisposition. Also called: DICER1 syndrome; DICER1-related pleuropulmonary blastoma cancer predisposition syndrome. Identifiers: Orphanet 284343, MedGen C3839822, MONDO:0100216.
Hereditary cancer-predisposing syndrome. Also called: Neoplastic Syndromes, Hereditary; Hereditary Cancer Syndrome; Hereditary neoplastic syndrome; Tumor predisposition. Identifiers: Orphanet 140162, MedGen C0027672, MeSH D009386, MONDO:0015356.

Allele frequency attached by ClinVar (database versions not stated): gnomAD exomes below 0.00001; gnomAD 0.00001.
gnomAD v4.1: 4 of 1,613,314 alleles (0.00025%); highest among the groups gnomAD compares: Non-Finnish European, 0.00025%; no homozygotes.

Submissions (2):

Labcorp Genetics (formerly Invitae), Labcorp
Classification: Uncertain significance for DICER1-related tumor predisposition. Last evaluated: 2023-12-11. Review status: criteria provided, single submitter. Criteria: Invitae Variant Classification Sherloc (09022015). Collection method: clinical testing. Allele origin: germline.
Comment: This sequence change replaces asparagine, which is neutral and polar, with serine, which is neutral and polar, at codon 885 of the DICER1 protein (p.Asn885Ser). This variant is not present in population databases (gnomAD no frequency). This variant has not been reported in the literature in individuals affected with DICER1-related conditions. ClinVar contains an entry for this variant (Variation ID: 643579). Advanced modeling of protein sequence and biophysical properties (such as structural, functional, and spatial information, amino acid conservation, physicochemical variation, residue mobility, and thermodynamic stability) performed at Invitae indicates that this missense variant is not expected to disrupt DICER1 protein function with a negative predictive value of 80%. RNA analysis performed to evaluate the impact of this missense change on mRNA splicing indicates it does not significantly alter splicing (Invitae). In summary, the available evidence is currently insufficient to determine the role of this variant in disease. Therefore, it has been classified as a Variant of Uncertain Significance.

Ambry Genetics
Classification: Uncertain significance for Hereditary cancer-predisposing syndrome. Last evaluated: 2022-03-15. Review status: criteria provided, single submitter. Criteria: Ambry Variant Classification Scheme 2023. Collection method: clinical testing. Allele origin: germline.
Comment: The p.N885S variant (also known as c.2654A>G), located in coding exon 16 of the DICER1 gene, results from an A to G substitution at nucleotide position 2654. The asparagine at codon 885 is replaced by serine, an amino acid with highly similar properties. This amino acid position is not well conserved in available vertebrate species. In addition, this alteration is predicted to be tolerated by in silico analysis. Since supporting evidence is limited at this time, the clinical significance of this alteration remains unclear.

NM_177438.3(DICER1):c.2654A>G (p.Asn885Ser)

Gene: DICER1 (dicer 1, ribonuclease III; minus strand). Cytogenetic location: 14q32.13.
Variant type: single nucleotide variant.
Coding change: c.2654A>G on transcript NM_177438.3 (MANE Select); coding-DNA position 2654, A replaced by G.
Protein change: p.Asn885Ser; replaces asparagine 885 with serine.
Molecular consequence: missense variant.
Genome position (GRCh38, 1-based): chr14:95,107,758, T>C on the plus strand (A>G on the coding strand, the complement: DICER1 is on the minus strand). VCF-style: chr14-95107758-T-C. GRCh37 (hg19) VCF-style: chr14-95574095-T-C.
Other names: c.2654A>G, p.Asn885Ser (NM_001195573.1, NM_001271282.3, NM_001291628.2 and 1 more transcripts); short protein forms N885S.
Identifiers: ClinVar variation 643579 (VCV000643579.14), dbSNP rs1595379417, ClinGen allele CA390880976.